The following is an entry in ClinVar:

NM_152246.3(CPT1B):c.356C>T (p.Thr119Met)

Genes: CHKB-CPT1B (CHKB-CPT1B readthrough (NMD candidate); minus strand), CPT1B (carnitine palmitoyltransferase 1B; minus strand). Cytogenetic location: 22q13.33.
Variant type: single nucleotide variant.
Coding change: c.356C>T on transcript NM_152246.3 (MANE Select); coding-DNA position 356, C replaced by T.
Protein change: p.Thr119Met; replaces threonine 119 with methionine.
Molecular consequence: missense variant. On other transcripts: non-coding transcript variant (1).
Genome position (GRCh38, 1-based): chr22:50,576,960, G>A on the plus strand (C>T on the coding strand, the complement: CPT1B is on the minus strand). VCF-style: chr22-50576960-G-A. GRCh37 (hg19) VCF-style: chr22-51015389-G-A.
Other names: c.356C>T (NM_001145137.1); c.356C>T, p.Thr119Met (NM_001145134.2, NM_001145135.2, NM_001145137.2 and 2 more transcripts); short protein forms T119M.
Identifiers: ClinVar variation 2224477 (VCV002224477.3), dbSNP rs199841221, ClinGen allele CA10323287.

ClinVar aggregate classification (germline): Uncertain significance. Review status: criteria provided, multiple submitters, no conflicts (2 of 4 stars). 2 submissions from 2 submitters: Uncertain significance (2). Last evaluated 2025-12-02.

Conditions:
CPT1B-related disorder. Also called: CPT1B-related condition.

Allele frequency attached by ClinVar (database versions not stated): ExAC 0.00002; gnomAD 0.00002; TOPMed 0.00002; gnomAD exomes 0.00004.
gnomAD v4.1: 55 of 1,613,980 alleles (0.0034%); highest among the groups gnomAD compares: Non-Finnish European, 0.0042%; no homozygotes.

Submissions (2):

PreventionGenetics, part of Exact Sciences
Classification: Uncertain significance for CPT1B-related condition. Last evaluated: 2025-12-02. Review status: criteria provided, single submitter. Criteria: ACMG Guidelines, 2015. Collection method: clinical testing. Allele origin: germline.
Comment: The CPT1B c.356C>T variant is predicted to result in the amino acid substitution p.Thr119Met. To our knowledge, this variant has not been reported in the literature. This variant is reported in 0.0055% of alleles in individuals of European (Non-Finnish) descent in gnomAD. At this time, the clinical significance of this variant is uncertain due to the absence of conclusive functional and genetic evidence.

Ambry Genetics
Classification: Uncertain significance. Last evaluated: 2022-11-17. Review status: criteria provided, single submitter. Criteria: Ambry Variant Classification Scheme 2023. Collection method: clinical testing. Allele origin: germline.